The following is an entry in ClinVar:

ClinVar aggregate classification (germline): Pathogenic (1 of 4 stars; one submission).

Conditions:
Neurofibromatosis, type 1 (NF1). Also called: NEUROFIBROMATOSIS, TYPE I, SOMATIC; Neurofibromatosis, type I; Peripheral type neurofibromatosis; VON RECKLINGHAUSEN DISEASE. Identifiers: Orphanet 636, MedGen C0027831, MONDO:0018975, OMIM 162200. Disease mechanism: loss of function.

Submission:

Labcorp Genetics (formerly Invitae), Labcorp
Classification: Pathogenic for Neurofibromatosis, type 1. Last evaluated: 2022-04-01. Review status: criteria provided, single submitter. Criteria: Invitae Variant Classification Sherloc (09022015). Collection method: clinical testing. Allele origin: germline.
Comment: This sequence change creates a premature translational stop signal (p.Lys50*) in the NF1 gene. It is expected to result in an absent or disrupted protein product. Loss-of-function variants in NF1 are known to be pathogenic (PMID: 10712197, 23913538). This variant is not present in population databases (gnomAD no frequency). This variant has not been reported in the literature in individuals affected with NF1-related conditions. For these reasons, this variant has been classified as Pathogenic.

Literature cited by the submitters: PubMed 10712197; PubMed 23913538.

NM_001042492.3(NF1):c.148A>T (p.Lys50Ter)

Gene: NF1 (neurofibromin 1; plus strand). Cytogenetic location: 17q11.2.
Variant type: single nucleotide variant.
Coding change: c.148A>T on transcript NM_001042492.3 (MANE Select); coding-DNA position 148, A replaced by T.
Protein change: p.Lys50Ter; replaces lysine 50 with a stop codon.
Molecular consequence: nonsense.
Genome position (GRCh38, 1-based): chr17:31,156,070, A>T. VCF-style: chr17-31156070-A-T. GRCh37 (hg19) VCF-style: chr17-29483088-A-T.
Other names: c.148A>T, p.Lys50Ter (NM_000267.4, NM_001128147.3); short protein forms K50*.
Identifiers: ClinVar variation 2120092 (VCV002120092.4), dbSNP rs2143626686, ClinGen allele CA398988477.